The following is an entry in ClinVar:

NM_001613.4(ACTA2):c.936C>T (p.Ala312=)

Genes: ACTA2 (actin alpha 2, smooth muscle; minus strand), ACTA2-AS1 (ACTA2 antisense RNA 1; plus strand). Cytogenetic location: 10q23.31.
Variant type: single nucleotide variant.
Coding change: c.936C>T on transcript NM_001613.4 (MANE Select); coding-DNA position 936, C replaced by T.
Protein change: p.Ala312=; no amino-acid change (alanine 312 retained).
Molecular consequence: synonymous variant.
Genome position (GRCh38, 1-based): chr10:88,938,115, G>A on the plus strand (C>T on the coding strand, the complement: ACTA2 is on the minus strand). VCF-style: chr10-88938115-G-A. GRCh37 (hg19) VCF-style: chr10-90697872-G-A.
Other names: p.Ala312=; c.936C>T, p.Ala312= (NM_001141945.3, NM_001320855.2, NM_001406462.1 and 2 more transcripts); c.825C>T, p.Ala275= (NM_001406466.1); c.807C>T, p.Ala269= (NM_001406467.1, NM_001406468.1, NM_001406469.1); c.744C>T, p.Ala248= (NM_001406471.1).
Identifiers: ClinVar variation 263863 (VCV000263863.67), dbSNP rs200213764, ClinGen allele CA029943.
Genomic context (GRCh38, chr10:88,938,115, plus strand): 5'-CAGTACCTTGATCTTCATGGTGCTGGGTGCTAGGGCCGTGATCTCCTTCTGCATTCGGTC[G>A]GCAATGCCAGGGTACATAGTGGTGCCCCCTGATAGGACATTGTTAGCATAGAGGTCCTTC-3'
Protein context (NP_001604.1, residues 302-322): SGGTTMYPGI[Ala312=]DRMQKEITAL

ClinVar aggregate classification (germline): Benign/Likely benign. Review status: criteria provided, multiple submitters, no conflicts (2 of 4 stars). 12 submissions from 12 submitters: Benign (3); Likely benign (9). Last evaluated 2026-06-01.

Conditions:
ACTA2-related disorder. Also called: ACTA2-related disorders; ACTA2-related condition.
Familial thoracic aortic aneurysm and aortic dissection (TAAD). Also called: Thoracic aortic aneurysms and dissections. Identifiers: Orphanet 91387, MedGen C4707243, MONDO:0019625.
Aortic aneurysm, familial thoracic 6 (AAT6). Also called: FAMILIAL THORACIC AORTIC ANEURYSM WITH LIVEDO RETICULARIS AND IRIS FLOCCULI. Identifiers: MedGen C2673186, MONDO:0012730, OMIM 611788.

Allele frequency attached by ClinVar (database versions not stated): TOPMed 0.00012; gnomAD 0.00014 and 0.00015; ExAC 0.00016; gnomAD exomes 0.00016.
gnomAD v4.1: 156 of 1,613,974 alleles (0.0097%); highest among the groups gnomAD compares: Admixed American, 0.005%; no homozygotes.

Submissions (12):

PreventionGenetics, part of Exact Sciences
Classification: Likely benign for ACTA2-related condition. Last evaluated: 2026-06-01. Review status: criteria provided, single submitter. Criteria: ACMG Guidelines, 2015. Collection method: clinical testing. Allele origin: germline.
Comment: This variant is classified as likely benign based on ACMG/AMP sequence variant interpretation guidelines (Richards et al. 2015 PMID: 25741868, with internal and published modifications).

Labcorp Genetics (formerly Invitae), Labcorp
Classification: Likely benign for Aortic aneurysm, familial thoracic 6. Last evaluated: 2026-01-07. Review status: criteria provided, single submitter. Criteria: Invitae Variant Classification Sherloc (09022015). Collection method: clinical testing. Allele origin: germline.

Mayo Clinic Laboratories, Mayo Clinic
Classification: Likely benign. Last evaluated: 2024-10-16. Review status: criteria provided, single submitter. Criteria: ACMG Guidelines, 2015. Collection method: clinical testing. Allele origin: germline. Observed: 1 variant allele.
Comment: BS1, BP4, BP7

ARUP Laboratories, Molecular Genetics and Genomics, ARUP Laboratories
Classification: Likely benign. Last evaluated: 2024-09-02. Review status: criteria provided, single submitter. Criteria: ARUP Molecular Germline Variant Investigation Process 2024. Collection method: clinical testing. Allele origin: germline.

Blueprint Genetics
Classification: Likely benign. Last evaluated: 2024-08-01. Review status: criteria provided, single submitter. Criteria: ACMG Guidelines, 2015. Collection method: clinical testing. Allele origin: germline.

CeGaT Center for Human Genetics Tuebingen
Classification: Likely benign. Last evaluated: 2024-04-01. Review status: criteria provided, single submitter. Criteria: CeGaT Center For Human Genetics Tuebingen Variant Classification Criteria Version 2. Collection method: clinical testing. Allele origin: germline. Affected: yes. Observed: 8 variant alleles.
Comment: ACTA2: BP4, BP7

All of Us Research Program, National Institutes of Health
Classification: Benign for Familial thoracic aortic aneurysm and aortic dissection. Last evaluated: 2024-01-11. Review status: criteria provided, single submitter. Criteria: ACMG Guidelines, 2015. Collection method: clinical testing. Allele origin: germline. Inheritance: Autosomal dominant inheritance. Observed: 53 variant alleles, 52 heterozygotes, 1 homozygote.
Comment: This study involves interpretation of variants in research participants for the purpose of population health screening. Participant phenotype was not available at the time of variant classification. Additional details can be found in publication PMID: 35346344, PMCID: PMC8962531

GeneDx
Classification: Likely benign. Last evaluated: 2020-12-10. Review status: criteria provided, single submitter. Criteria: GeneDx Variant Classification Process June 2021. Collection method: clinical testing. Allele origin: germline. Affected: yes.
Comment: This variant is associated with the following publications: (PMID: 19409525)

Illumina Laboratory Services, Illumina
Classification: Likely benign for Aortic aneurysm, familial thoracic 6. Last evaluated: 2019-04-19. Review status: criteria provided, single submitter. Criteria: ICSL Variant Classification Criteria 13 December 2019. Collection method: clinical testing. Allele origin: germline.
Comment: This variant was observed as part of a predisposition screen in an ostensibly healthy population. A literature search was performed for the gene, cDNA change, and amino acid change (where applicable). Publications were found based on this search. The evidence from the literature, in combination with allele frequency data from public databases where available, was sufficient to determine this variant is unlikely to cause disease. Therefore, this variant is classified as likely benign.

Color Diagnostics, LLC DBA Color Health
Classification: Benign for Familial thoracic aortic aneurysm and aortic dissection. Last evaluated: 2018-10-15. Review status: criteria provided, single submitter. Criteria: ACMG Guidelines, 2015. Collection method: clinical testing. Allele origin: germline.

CHEO Genetics Diagnostic Laboratory, Children's Hospital of Eastern Ontario
Classification: Benign for Familial thoracic aortic aneurysm and aortic dissection. Last evaluated: 2018-03-21. Review status: criteria provided, single submitter. Criteria: ACMG Guidelines, 2015. Collection method: clinical testing. Allele origin: germline.

Ambry Genetics
Classification: Likely benign for Familial thoracic aortic aneurysm and aortic dissection. Last evaluated: 2014-10-03. Review status: criteria provided, single submitter. Criteria: Ambry Variant Classification Scheme 2023. Collection method: clinical testing. Allele origin: germline.

Literature cited by the submitters: PubMed 19409525 (cited by Mayo Clinic Laboratories, Mayo Clinic and Illumina Laboratory Services, Illumina).